The following is an entry in ClinVar:

NM_004655.4(AXIN2):c.2051C>A (p.Ala684Glu)

Gene: AXIN2 (axin 2; minus strand). Cytogenetic location: 17q24.1.
Variant type: single nucleotide variant.
Coding change: c.2051C>A on transcript NM_004655.4 (MANE Select); coding-DNA position 2051, C replaced by A.
Protein change: p.Ala684Glu; replaces alanine 684 with glutamic acid.
Molecular consequence: missense variant.
Genome position (GRCh38, 1-based): chr17:65,536,410, G>T on the plus strand (C>A on the coding strand, the complement: AXIN2 is on the minus strand). VCF-style: chr17-65536410-G-T. GRCh37 (hg19) VCF-style: chr17-63532528-G-T.
Other names: c.1856C>A, p.Ala619Glu (NM_001363813.1); c.2051C>A (NM_004655.3); short protein forms A619E, A684E.
Identifiers: ClinVar variation 1378928 (VCV001378928.9), dbSNP rs138287857, ClinGen allele CA400676084.

ClinVar aggregate classification (germline): Uncertain significance. Review status: criteria provided, multiple submitters, no conflicts (2 of 4 stars). 2 submissions from 2 submitters: Uncertain significance (2). Last evaluated 2025-07-15.

Conditions:
Hereditary cancer-predisposing syndrome. Also called: Neoplastic Syndromes, Hereditary; Hereditary Cancer Syndrome; Tumor predisposition; Hereditary neoplastic syndrome. Identifiers: Orphanet 140162, MedGen C0027672, MeSH D009386, MONDO:0015356.
Oligodontia-cancer predisposition syndrome. Also called: TOOTH AGENESIS-COLORECTAL CANCER SYNDROME. Identifiers: Orphanet 300576, MedGen C1837750, MONDO:0012075, OMIM 608615. Disease mechanism: loss of function.

Submissions (2):

Ambry Genetics
Classification: Uncertain significance for Hereditary cancer-predisposing syndrome. Last evaluated: 2025-07-15. Review status: criteria provided, single submitter. Criteria: Ambry Variant Classification Scheme 2023. Collection method: clinical testing. Allele origin: germline.
Comment: The p.A684E variant (also known as c.2051C>A), located in coding exon 7 of the AXIN2 gene, results from a C to A substitution at nucleotide position 2051. The alanine at codon 684 is replaced by glutamic acid, an amino acid with dissimilar properties. This amino acid position is well conserved in available vertebrate species. In addition, the in silico prediction for this alteration is inconclusive. Based on the available evidence, the clinical significance of this variant remains unclear.

Labcorp Genetics (formerly Invitae), Labcorp
Classification: Uncertain significance for Oligodontia-cancer predisposition syndrome. Last evaluated: 2021-06-01. Review status: criteria provided, single submitter. Criteria: Invitae Variant Classification Sherloc (09022015). Collection method: clinical testing. Allele origin: germline.
Comment: This sequence change replaces alanine with glutamic acid at codon 684 of the AXIN2 protein (p.Ala684Glu). The alanine residue is highly conserved and there is a moderate physicochemical difference between alanine and glutamic acid. In summary, the available evidence is currently insufficient to determine the role of this variant in disease. Therefore, it has been classified as a Variant of Uncertain Significance. Algorithms developed to predict the effect of missense changes on protein structure and function are either unavailable or do not agree on the potential impact of this missense change (SIFT: "Deleterious"; PolyPhen-2: "Possibly Damaging"; Align-GVGD: "Class C0"). This variant has not been reported in the literature in individuals with AXIN2-related conditions. This variant is not present in population databases (ExAC no frequency).